The following is an entry in ClinVar:

ClinVar aggregate classification (germline): Uncertain significance (1 of 4 stars; one submission).

Conditions:
Fanconi anemia (FA). Also called: Fanconi's anemia. Identifiers: Orphanet 84, MedGen C0015625, MeSH D005199, MONDO:0019391.

Submission:

Labcorp Genetics (formerly Invitae), Labcorp
Classification: Uncertain significance for Fanconi anemia. Last evaluated: 2021-03-24. Review status: criteria provided, single submitter. Criteria: Invitae Variant Classification Sherloc (09022015). Collection method: clinical testing. Allele origin: germline.
Comment: In summary, the available evidence is currently insufficient to determine the role of this variant in disease. Therefore, it has been classified as a Variant of Uncertain Significance. Advanced modeling of protein sequence and biophysical properties (such as structural, functional, and spatial information, amino acid conservation, physicochemical variation, residue mobility, and thermodynamic stability) performed at Invitae indicates that this missense variant is not expected to disrupt FANCA protein function. This variant has not been reported in the literature in individuals with FANCA-related conditions. This variant is not present in population databases (ExAC no frequency). This sequence change replaces alanine with threonine at codon 1229 of the FANCA protein (p.Ala1229Thr). The alanine residue is moderately conserved and there is a small physicochemical difference between alanine and threonine.

NM_000135.4(FANCA):c.3685G>A (p.Ala1229Thr)

Gene: FANCA (FA complementation group A; minus strand). Cytogenetic location: 16q24.3.
Variant type: single nucleotide variant.
Coding change: c.3685G>A on transcript NM_000135.4 (MANE Select); coding-DNA position 3685, G replaced by A.
Protein change: p.Ala1229Thr; replaces alanine 1229 with threonine.
Molecular consequence: missense variant.
Genome position (GRCh38, 1-based): chr16:89,742,880, C>T on the plus strand (G>A on the coding strand, the complement: FANCA is on the minus strand). VCF-style: chr16-89742880-C-T. GRCh37 (hg19) VCF-style: chr16-89809288-C-T.
Other names: c.3685G>A, p.Ala1229Thr (NM_001286167.3); short protein forms A1229T.
Identifiers: ClinVar variation 1518877 (VCV001518877.8), dbSNP rs2143062040, ClinGen allele CA397485440.